The following continues an entry in ClinVar:

NM_000257.4(MYH7):c.2221G>T (p.Gly741Trp)

Gene: MYH7. ClinVar aggregate classification (germline): Pathogenic. Pathogenic (1).

Submissions 8 to 12 of 12:

Agnes Ginges Centre for Molecular Cardiology, Centenary Institute
Classification: Pathogenic for Hypertrophic cardiomyopathy 1. Last evaluated: 2018-11-02. Review status: criteria provided, single submitter. Criteria: ACMG Guidelines, 2015. Collection method: research. Allele origin: germline. Inheritance: Autosomal dominant inheritance. Affected: yes. Not counted in ClinVar's aggregate classification.
Comment: This MYH7 Gly741Trp variant has been reported in mutliple HCM cases (Arai S, et al., 1995; Perrot A, et al., 2005; Otsuka H, et al., 2012; Santos S, et al., 2012; Pan S, et al., 2012; Kapplinger JD, et al., 2014; Walsh R, et al., 2017), and the variant was shown to segregate with disease in affected family members (Arai S, et al., 1995; Perrot A, et al., 2005). Interestingly, a variant at the same position resulting in a different amino acid change, Gly741Arg, has extensively reported in HCM cases (Fananapazir L, et al., 1993; Richard P, et al., 2003; Van Driest SL, et al., 2004; Song L, et al., 2005; Kaski JP, et al., 2009; Marsiglia JD, et al., 2013; Kapplinger JD, et al., 2014; Walsh R, et al., 2017). The MYH7 Gly741Trp variant is absent in the Exome Aggregation Consortium dataset, and the 1000 genomes project. We have identified this variant in 5 HCM Probands. All four probands have a family history of disease, but segregation was only possible in 3 of these families and we found this variant to segregate in total of 4 affected first degree family members. In silico tools SIFT, PolyPhen2 and MutationTaster predict this variant to be deleterious. In a large HCM population study Walsh et al., showed that MYH7 variants identified in HCM cases were found to cluster between amino acids 181- 937 (2017), this implies that variants in this region are likely to cause a HCM phenotype. Based on the adapted ACMG criteria (Kelly MA, et al., 2018) this variant has been reported in more than 15 unrelated probands (PS4), segregates with disease in multiple families (PP1_strong), is located in a mutational hotspot (PM1), is rare in the general population (PM2), affects the same amino acid as another disease-causing variant (PM5), and is predicted to be deleterious by multiple in silico tools (PP3), therefore we classify MYH7 Gly741Trp as 'Pathogenic'.

Stanford Center for Inherited Cardiovascular Disease, Stanford University
Classification: Likely pathogenic. Last evaluated: 2015-09-09. Review status: criteria provided, single submitter. Criteria: ACMG Guidelines, 2015. Collection method: provider interpretation. Allele origin: germline. Not counted in ClinVar's aggregate classification.

Eurofins Ntd Llc (ga)
Classification: Pathogenic. Last evaluated: 2015-01-15. Review status: criteria provided, single submitter. Criteria: EGL Classification Definitions 2015. Collection method: clinical testing. Allele origin: germline. Not counted in ClinVar's aggregate classification.

Laboratory for Molecular Medicine, Mass General Brigham Personalized Medicine
Classification: Likely pathogenic for Hypertrophic cardiomyopathy. Last evaluated: 2014-04-17. Review status: criteria provided, single submitter. Criteria: LMM Criteria. Collection method: clinical testing. Allele origin: germline. Inheritance: Autosomal dominant inheritance. Observed: 7 variant alleles. Not counted in ClinVar's aggregate classification.
Comment: The Gly741Trp variant in MYH7 has been reported in at least 3 individuals with H CM (Arai 1995, Perrot 2005, Pan 2012) and segregated with disease in 4 affected relatives from 2 families. This variant has also been previously identified by o ur laboratory in 5 individuals with HCM. It was absent from large population stu dies. Glycine (Gly) at position 741 is conserved in mammals, though not across evolutionarily distant species (birds and fish). The change to tryptophan (Trp) was predicted to be pathogenic using a computational tool clinically validated b y our laboratory. This tool's pathogenic prediction is estimated to be correct 9 4% of the time (Jordan 2011). In addition, another variant at this position (Gly 741Arg) is reported to be disease-causing. In summary, although additional studi es are required to fully establish its clinical significance, the Gly741Trp vari ant is likely pathogenic.

Clinical Molecular Genetics Laboratory, Johns Hopkins All Children's Hospital
Classification: Likely pathogenic for Hypertrophic cardiomyopathy. Last evaluated: 2016-03-16. Review status: no assertion criteria provided. Collection method: clinical testing. Allele origin: germline. Affected: yes. Not counted in ClinVar's aggregate classification.

Literature cited by the submitters: PubMed 8533830 (cited by 5 submitters); PubMed 15856146 (cited by 5 submitters); PubMed 27532257 (cited by 4 submitters); PubMed 29300372 (cited by 3 submitters); PubMed 22112859 (cited by Labcorp Genetics (formerly Invitae), Labcorp and Agnes Ginges Centre for Molecular Cardiology, Centenary Institute); PubMed 22429680 (cited by Labcorp Genetics (formerly Invitae), Labcorp and Ambry Genetics); PubMed 25935763 (cited by Labcorp Genetics (formerly Invitae), Labcorp); PubMed 26914223 (cited by Labcorp Genetics (formerly Invitae), Labcorp and Ambry Genetics); PubMed 24714796 (cited by Victorian Clinical Genetics Services, Murdoch Childrens Research Institute); PubMed 23283745 (cited by Ambry Genetics); PubMed 24510615 (cited by Ambry Genetics and Agnes Ginges Centre for Molecular Cardiology, Centenary Institute); PubMed 28408708 (cited by Ambry Genetics and Agnes Ginges Centre for Molecular Cardiology, Centenary Institute); PubMed 28615295 (cited by Ambry Genetics); PubMed 29907873 (cited by Ambry Genetics); PubMed 30025578 (cited by Ambry Genetics); PubMed 31006259 (cited by Ambry Genetics); PubMed 31737537 (cited by Ambry Genetics); PubMed 32344918 (cited by Ambry Genetics); PubMed 8483915 (cited by Ambry Genetics and Agnes Ginges Centre for Molecular Cardiology, Centenary Institute); PubMed 24093860 (cited by Agnes Ginges Centre for Molecular Cardiology, Centenary Institute); PubMed 15563892 (cited by Agnes Ginges Centre for Molecular Cardiology, Centenary Institute); PubMed 12707239 (cited by Agnes Ginges Centre for Molecular Cardiology, Centenary Institute); PubMed 15358028 (cited by Agnes Ginges Centre for Molecular Cardiology, Centenary Institute); PubMed 23074333 (cited by Agnes Ginges Centre for Molecular Cardiology, Centenary Institute and Laboratory for Molecular Medicine, Mass General Brigham Personalized Medicine).